The following is an entry in ClinVar:

ClinVar aggregate classification (germline): Likely benign (0 of 4 stars; one submission).

Conditions:
ITSN1-related disorder. Also called: ITSN1-related condition.

Allele frequency attached by ClinVar (database versions not stated): TOPMed 0.00002; gnomAD 0.00003; ExAC 0.00012.
gnomAD v4.1: 30 of 1,609,702 alleles (0.0019%); highest among the groups gnomAD compares: African/African-American, 0.004%; no homozygotes.

Submission:

PreventionGenetics, part of Exact Sciences
Classification: Likely benign for ITSN1-related condition. Last evaluated: 2022-06-14. Review status: no assertion criteria provided. Collection method: clinical testing. Allele origin: germline.
Comment: This variant is classified as likely benign based on ACMG/AMP sequence variant interpretation guidelines (Richards et al. 2015 PMID: 25741868, with internal and published modifications).

NM_003024.3(ITSN1):c.*6G>A

Gene: ITSN1 (intersectin 1; plus strand). Cytogenetic location: 21q22.11.
Variant type: single nucleotide variant.
Coding change: c.*6G>A on transcript NM_003024.3 (MANE Select); 6 bases downstream of the stop codon, G replaced by A.
Molecular consequence: 3 prime UTR variant.
Genome position (GRCh38, 1-based): chr21:33,888,306, G>A. VCF-style: chr21-33888306-G-A. GRCh37 (hg19) VCF-style: chr21-35260610-G-A.
Other names: c.*6G>A (NM_001331010.2).
Identifiers: ClinVar variation 3036778 (VCV003036778.2), dbSNP rs750605825, ClinGen allele CA10012640.